The following is an entry in ClinVar:

NM_015122.3(FCHO1):c.1120G>T (p.Glu374Ter)

Gene: FCHO1 (FCH and mu domain containing endocytic adaptor 1; plus strand). Cytogenetic location: 19p13.11.
Variant type: single nucleotide variant.
Coding change: c.1120G>T on transcript NM_015122.3 (MANE Select); coding-DNA position 1120, G replaced by T.
Protein change: p.Glu374Ter; replaces glutamic acid 374 with a stop codon.
Molecular consequence: nonsense. On other transcripts: non-coding transcript variant (36).
Genome position (GRCh38, 1-based): chr19:17,776,099, G>T. VCF-style: chr19-17776099-G-T. GRCh37 (hg19) VCF-style: chr19-17886908-G-T.
Other names: c.1120G>T, p.Glu374Ter (NM_001384381.1, NM_001384387.1, NM_001384391.1 and 25 more transcripts); c.970G>T, p.Glu324Ter (NM_001384384.1, NM_001384385.1, NM_001384386.1 and 3 more transcripts); c.1081G>T, p.Glu361Ter (NM_001384388.1, NM_001384389.1, NM_001384405.1); c.1045G>T, p.Glu349Ter (NM_001384390.1); c.1075G>T, p.Glu359Ter (NM_001384403.1); short protein forms E324*, E361*, E374*, E349*, E359*.
Identifiers: ClinVar variation 2798462 (VCV002798462.3), dbSNP rs148410831, ClinGen allele CA404751337.

ClinVar aggregate classification (germline): Pathogenic (1 of 4 stars; one submission).

Submission:

Labcorp Genetics (formerly Invitae), Labcorp
Classification: Pathogenic. Last evaluated: 2023-10-09. Review status: criteria provided, single submitter. Criteria: Invitae Variant Classification Sherloc (09022015). Collection method: clinical testing. Allele origin: germline.
Comment: This sequence change creates a premature translational stop signal (p.Glu374*) in the FCHO1 gene. It is expected to result in an absent or disrupted protein product. Loss-of-function variants in FCHO1 are known to be pathogenic (PMID: 30822429). This variant is not present in population databases (gnomAD no frequency). This variant has not been reported in the literature in individuals affected with FCHO1-related conditions. For these reasons, this variant has been classified as Pathogenic.

Literature cited by the submitters: PubMed 30822429.